The following is an entry in ClinVar:

ClinVar aggregate classification (germline): Uncertain significance (1 of 4 stars; one submission).

Conditions:
Aicardi-Goutieres syndrome 7 (AGS7). Identifiers: Orphanet 51, MedGen C3888244, MONDO:0014367, OMIM 615846.
Singleton-Merten syndrome 1 (SGMRT1). Also called: Widened medullary cavities of bone, aortic calcification, abnormal dentition, and muscular weakness; Syndrome of widened medullary cavities of the metacarpals and phalanges, aortic calcification and abnormal dentition. Identifiers: Orphanet 85191, MedGen C4225427, MONDO:0024535, OMIM 182250.

gnomAD v4.1: 1 of 1,612,904 alleles (0.000062%); highest among the groups gnomAD compares: Non-Finnish European, 0.000085%; no homozygotes.

Submission:

Labcorp Genetics (formerly Invitae), Labcorp
Classification: Uncertain significance for Aicardi-Goutieres syndrome 7; Singleton-Merten syndrome 1. Last evaluated: 2024-08-05. Review status: criteria provided, single submitter. Criteria: Invitae Variant Classification Sherloc (09022015). Collection method: clinical testing. Allele origin: germline.
Comment: This sequence change replaces glutamine, which is neutral and polar, with proline, which is neutral and non-polar, at codon 317 of the IFIH1 protein (p.Gln317Pro). This variant is not present in population databases (gnomAD no frequency). This variant has not been reported in the literature in individuals affected with IFIH1-related conditions. Advanced modeling of protein sequence and biophysical properties (such as structural, functional, and spatial information, amino acid conservation, physicochemical variation, residue mobility, and thermodynamic stability) has been performed at Invitae for this missense variant, however the output from this modeling did not meet the statistical confidence thresholds required to predict the impact of this variant on IFIH1 protein function. In summary, the available evidence is currently insufficient to determine the role of this variant in disease. Therefore, it has been classified as a Variant of Uncertain Significance.

NM_022168.4(IFIH1):c.950A>C (p.Gln317Pro)

Gene: IFIH1 (interferon induced with helicase C domain 1; minus strand). Cytogenetic location: 2q24.2.
Variant type: single nucleotide variant.
Coding change: c.950A>C on transcript NM_022168.4 (MANE Select); coding-DNA position 950, A replaced by C.
Protein change: p.Gln317Pro; replaces glutamine 317 with proline.
Molecular consequence: missense variant.
Genome position (GRCh38, 1-based): chr2:162,288,280, T>G on the plus strand (A>C on the coding strand, the complement: IFIH1 is on the minus strand). VCF-style: chr2-162288280-T-G. GRCh37 (hg19) VCF-style: chr2-163144790-T-G.
Other names: short protein forms Q317P.
Identifiers: ClinVar variation 3751293 (VCV003751293.2).